The following is an entry in ClinVar:

NM_015175.3(NBEAL2):c.5021G>A (p.Arg1674His)

Gene: NBEAL2 (neurobeachin like 2; plus strand). Cytogenetic location: 3p21.31.
Variant type: single nucleotide variant.
Coding change: c.5021G>A on transcript NM_015175.3 (MANE Select); coding-DNA position 5021, G replaced by A.
Protein change: p.Arg1674His; replaces arginine 1674 with histidine.
Molecular consequence: missense variant.
Genome position (GRCh38, 1-based): chr3:47,002,158, G>A. VCF-style: chr3-47002158-G-A. GRCh37 (hg19) VCF-style: chr3-47043648-G-A.
Other names: p.Arg1674His; c.4919G>A, p.Arg1640His (NM_001365116.2); c.5021G>A (NM_015175.1); short protein forms R1640H, R1674H.
Identifiers: ClinVar variation 899839 (VCV000899839.14), dbSNP rs200622688, ClinGen allele CA2361412.

ClinVar aggregate classification (germline): Conflicting classifications of pathogenicity. Review status: criteria provided, conflicting classifications (1 of 4 stars). 10 submissions from 10 submitters: Uncertain significance (4); Benign (1); Likely benign (3). 2 of the submissions do not count toward it. Last evaluated 2026-06-11.

Conditions:
Inborn genetic diseases. Identifiers: MedGen C0950123, MeSH D030342.
Gray platelet syndrome (GPS). Also called: BLEEDING DISORDER, PLATELET-TYPE, 4. Identifiers: Orphanet 721, MedGen C0272302, MONDO:0007686, OMIM 139090.
Abnormal bleeding. Also called: Bleeding diathesis. Identifiers: MedGen C1458140, HP:0001892.
Thrombocytopenia. Identifiers: MedGen C0040034, MeSH D013921, MONDO:0002049, HP:0001873.
NBEAL2-related disorder. Also called: NBEAL2-related condition.

Allele frequency attached by ClinVar (database versions not stated): 1000 Genomes Project 30x 0.00016; 1000 Genomes Project 0.00020; ESP Exome Variant Server 0.00065; TOPMed 0.00086; gnomAD 0.00088; gnomAD exomes 0.00101 and 0.00156; ExAC 0.00149.
gnomAD v4.1: 2,284 of 1,538,420 alleles (0.15%); highest among the groups gnomAD compares: Non-Finnish European, 0.17%; 3 homozygotes.

Submissions (10):

Women's Health and Genetics/Laboratory Corporation of America, LabCorp
Classification: Likely benign. Last evaluated: 2026-06-11. Review status: criteria provided, single submitter. Criteria: LabCorp Variant Classification Summary - May 2015. Collection method: clinical testing. Allele origin: germline.
Comment: Variant summary: NBEAL2 c.5021G>A (p.Arg1674His) results in a non-conservative amino acid change in the encoded protein sequence. Algorithms developed to predict the effect of missense changes on protein structure and function are either unavailable or do not agree on the potential impact of this missense change. The variant allele was found at a frequency of 0.001 in 147886 control chromosomes, predominantly at a frequency of 0.0028 within the Ashkenazi Jewish subpopulation in the gnomAD database, including 1 homozygotes. The observed variant frequency within Ashkenazi Jewish control individuals in the gnomAD database exceeds the estimated maximal expected allele frequency for disease-causing variants in NBEAL2. To our knowledge, no occurrence of c.5021G>A in individuals affected with NBEAL2-related conditions and no experimental evidence demonstrating its impact on protein function have been reported. ClinVar contains an entry for this variant (Variation ID: 899839). Based on the evidence outlined above, the variant was classified as likely benign.

Labcorp Genetics (formerly Invitae), Labcorp
Classification: Benign. Last evaluated: 2026-01-05. Review status: criteria provided, single submitter. Criteria: Invitae Variant Classification Sherloc (09022015). Collection method: clinical testing. Allele origin: germline.

PreventionGenetics, part of Exact Sciences
Classification: Likely benign for NBEAL2-related condition. Last evaluated: 2025-06-30. Review status: criteria provided, single submitter. Criteria: ACMG Guidelines, 2015. Collection method: clinical testing. Allele origin: germline.
Comment: This variant is classified as likely benign based on ACMG/AMP sequence variant interpretation guidelines (Richards et al. 2015 PMID: 25741868, with internal and published modifications).

Blueprint Genetics
Classification: Uncertain significance. Last evaluated: 2024-10-23. Review status: criteria provided, single submitter. Criteria: ACMG Guidelines, 2015. Collection method: clinical testing. Allele origin: germline.

Mayo Clinic Laboratories, Mayo Clinic
Classification: Likely benign. Last evaluated: 2024-06-25. Review status: criteria provided, single submitter. Criteria: ACMG Guidelines, 2015. Collection method: clinical testing. Allele origin: germline. Observed: 2 variant alleles.
Comment: BS1, BP4

Ambry Genetics
Classification: Uncertain significance for Inborn genetic diseases. Last evaluated: 2023-03-23. Review status: criteria provided, single submitter. Criteria: Ambry Variant Classification Scheme 2023. Collection method: clinical testing. Allele origin: germline.

Illumina Laboratory Services, Illumina
Classification: Uncertain significance for Gray platelet syndrome. Last evaluated: 2018-01-12. Review status: criteria provided, single submitter. Criteria: ICSL Variant Classification Criteria 13 December 2019. Collection method: clinical testing. Allele origin: germline.

Breakthrough Genomics
Classification: Uncertain significance. Review status: criteria provided, single submitter. Criteria: ACMG Guidelines, 2015. Collection method: not provided. Allele origin: germline. Inheritance: Autosomal recessive inheritance. Affected: yes.

Zotz-Klimas Genetics Lab, MVZ Zotz Klimas
Classification: Uncertain significance for Gray platelet syndrome. Last evaluated: 2023-10-30. Review status: no assertion criteria provided. Collection method: clinical testing. Allele origin: germline. Affected: yes. Not counted in ClinVar's aggregate classification.

Birmingham Platelet Group; University of Birmingham
Classification: Uncertain significance for Thrombocytopenia; Abnormal bleeding. Last evaluated: 2020-05-01. Review status: no assertion criteria provided. Collection method: research. Allele origin: germline. Affected: yes. Not counted in ClinVar's aggregate classification.

Literature cited by the submitters: PubMed 29590070 (cited by Mayo Clinic Laboratories, Mayo Clinic); PubMed 32935436 (cited by Mayo Clinic Laboratories, Mayo Clinic).